The following is an entry in ClinVar:

NM_006929.5(SKIC2):c.2896C>T (p.Gln966Ter)

Gene: SKIC2 (SKI2 subunit of superkiller complex; plus strand). Cytogenetic location: 6p21.33.
Variant type: single nucleotide variant.
Coding change: c.2896C>T on transcript NM_006929.5 (MANE Select); coding-DNA position 2896, C replaced by T.
Protein change: p.Gln966Ter; replaces glutamine 966 with a stop codon.
Molecular consequence: nonsense.
Genome position (GRCh38, 1-based): chr6:31,968,365, C>T. VCF-style: chr6-31968365-C-T. GRCh37 (hg19) VCF-style: chr6-31936142-C-T.
Other names: short protein forms Q966*.
Identifiers: ClinVar variation 2713958 (VCV002713958.3), dbSNP rs2482996768, ClinGen allele CA363480248.
Genomic context (GRCh38, chr6:31,968,365, plus strand): 5'-CTTAAGATCTGCTCCCTCTTCAGGAAGGATCCTCCCCTTGCAGCCGTGACCACTGCTGTC[C>T]AGGAACTGCTGCGTCTGGCTCAGGCCCACCCAGCCGGACCTCCCACCCTCGACCCTGTCA-3'

ClinVar aggregate classification (germline): Pathogenic (1 of 4 stars; one submission).

Submission:

Labcorp Genetics (formerly Invitae), Labcorp
Classification: Pathogenic. Last evaluated: 2024-01-29. Review status: criteria provided, single submitter. Criteria: Invitae Variant Classification Sherloc (09022015). Collection method: clinical testing. Allele origin: germline.
Comment: This sequence change creates a premature translational stop signal (p.Gln966*) in the SKIV2L gene. It is expected to result in an absent or disrupted protein product. Loss-of-function variants in SKIV2L are known to be pathogenic (PMID: 22444670). This variant is not present in population databases (gnomAD no frequency). This variant has not been reported in the literature in individuals affected with SKIV2L-related conditions. For these reasons, this variant has been classified as Pathogenic.

Literature cited by the submitters: PubMed 22444670.